The following is an entry in ClinVar:

ClinVar aggregate classification (germline): Likely benign (0 of 4 stars; one submission).

Conditions:
ZBTB16-related disorder. Also called: ZBTB16-related condition.

Allele frequency attached by ClinVar (database versions not stated): ExAC 0.00001; gnomAD 0.00001; TOPMed 0.00001.

Submission:

PreventionGenetics, part of Exact Sciences
Classification: Likely benign for ZBTB16-related condition. Last evaluated: 2019-07-30. Review status: no assertion criteria provided. Collection method: clinical testing. Allele origin: germline.
Comment: This variant is classified as likely benign based on ACMG/AMP sequence variant interpretation guidelines (Richards et al. 2015 PMID: 25741868, with internal and published modifications).

NM_006006.6(ZBTB16):c.31C>T (p.Leu11=)

Gene: ZBTB16 (zinc finger and BTB domain containing 16; plus strand). Cytogenetic location: 11q23.2.
Variant type: single nucleotide variant.
Coding change: c.31C>T on transcript NM_006006.6 (MANE Select); coding-DNA position 31, C replaced by T.
Protein change: p.Leu11=; no amino-acid change (leucine 11 retained).
Molecular consequence: synonymous variant.
Genome position (GRCh38, 1-based): chr11:114,063,331, C>T. VCF-style: chr11-114063331-C-T. GRCh37 (hg19) VCF-style: chr11-113934053-C-T.
Other names: c.31C>T, p.Leu11= (NM_001018011.3, NM_001354750.2, NM_001354751.2 and 1 more transcripts).
Identifiers: ClinVar variation 3035191 (VCV003035191.2), dbSNP rs749597976, ClinGen allele CA6284966.
Genomic context (GRCh38, chr11:114,063,331, plus strand): 5'-AAGCCTCATGCCTGAGCCGAGGGGAGCACCATGGATCTGACAAAAATGGGCATGATCCAG[C>T]TGCAGAACCCTAGCCACCCCACGGGGCTACTGTGCAAGGCCAACCAGATGCGGCTGGCCG-3'
Protein context (NP_005997.2, residues 1-21): MDLTKMGMIQ[Leu11=]QNPSHPTGLL